The following is an entry in ClinVar:

ClinVar aggregate classification (germline): Likely benign. Review status: criteria provided, multiple submitters, no conflicts (2 of 4 stars). 4 submissions from 4 submitters: Likely benign (4). Last evaluated 2025-01-15.

Conditions:
Cardiovascular phenotype. Identifiers: MedGen CN230736.
Autosomal recessive limb-girdle muscular dystrophy type 2J (LGMDR10). Also called: MUSCULAR DYSTROPHY, LIMB-GIRDLE, AUTOSOMAL RECESSIVE 10; Limb-girdle muscular dystrophy, type 2J. Identifiers: Orphanet 140922, MedGen C1837342, MONDO:0012127, OMIM 608807.
Dilated cardiomyopathy 1G (CMD1G). Identifiers: Orphanet 154, MedGen C1858763, MONDO:0011400, OMIM 604145.
Hypertrophic cardiomyopathy 9. Also called: Familial hypertrophic cardiomyopathy 9. Identifiers: MedGen C1861065, MONDO:0013412, OMIM 613765.
Tibial muscular dystrophy (TMD). Also called: Udd Distal Myopathy – Tibial Muscular Dystrophy; Tibial muscular dystrophy, tardive; UDD MYOPATHY. Identifiers: Orphanet 609, MedGen C1838244, MONDO:0010870, OMIM 600334.
Early-onset myopathy with fatal cardiomyopathy (CMYO5). Also called: Salih Myopathy; CONGENITAL MYOPATHY 5 WITH CARDIOMYOPATHY. Identifiers: Orphanet 289377, MedGen C2673677, MONDO:0012714, OMIM 611705. Disease mechanism: loss of function.
Myopathy, myofibrillar, 9, with early respiratory failure (MFM9). Also called: MYOPATHY, PROXIMAL, WITH EARLY RESPIRATORY MUSCLE INVOLVEMENT; Myopathy, distal, with early respiratory failure, autosomal dominant; Hereditary myopathy with early respiratory failure; EDSTROM MYOPATHY. Identifiers: Orphanet 178464, Orphanet 34521, MedGen C1863599, MONDO:0011362, OMIM 603689.

Submissions (4):

Labcorp Genetics (formerly Invitae), Labcorp
Classification: Likely benign for Dilated cardiomyopathy 1G; Autosomal recessive limb-girdle muscular dystrophy type 2J. Last evaluated: 2025-01-15. Review status: criteria provided, single submitter. Criteria: Invitae Variant Classification Sherloc (09022015). Collection method: clinical testing. Allele origin: germline.

Ambry Genetics
Classification: Likely benign for Cardiovascular phenotype. Last evaluated: 2025-01-04. Review status: criteria provided, single submitter. Criteria: Ambry Variant Classification Scheme 2023. Collection method: clinical testing. Allele origin: germline.

Fulgent Genetics
Classification: Likely benign for Tibial muscular dystrophy; Myopathy, myofibrillar, 9, with early respiratory failure; Dilated cardiomyopathy 1G; Autosomal recessive limb-girdle muscular dystrophy type 2J; Early-onset myopathy with fatal cardiomyopathy; Hypertrophic cardiomyopathy 9. Last evaluated: 2021-07-26. Review status: criteria provided, single submitter. Criteria: ACMG Guidelines, 2015. Collection method: clinical testing. Allele origin: unknown.

GeneDx
Classification: Likely benign. Last evaluated: 2017-04-19. Review status: criteria provided, single submitter. Criteria: GeneDx Variant Classification (06012015). Collection method: clinical testing. Allele origin: germline. Affected: yes.
Comment: This variant is considered likely benign or benign based on one or more of the following criteria: it is a conservative change, it occurs at a poorly conserved position in the protein, it is predicted to be benign by multiple in silico algorithms, and/or has population frequency not consistent with disease.

NM_001267550.2(TTN):c.66528T>G (p.Ser22176=)

Genes: TTN (titin; minus strand), TTN-AS1 (TTN antisense RNA 1; plus strand). Cytogenetic location: 2q31.2.
Variant type: single nucleotide variant.
Coding change: c.66528T>G on transcript NM_001267550.2 (MANE Select); coding-DNA position 66528, T replaced by G.
Protein change: p.Ser22176=; no amino-acid change (serine 22176 retained).
Molecular consequence: synonymous variant.
Genome position (GRCh38, 1-based): chr2:178,581,740, A>C on the plus strand (T>G on the coding strand, the complement: TTN is on the minus strand). VCF-style: chr2-178581740-A-C. GRCh37 (hg19) VCF-style: chr2-179446467-A-C.
Other names: c.61605T>G, p.Ser20535= (NM_001256850.1); c.39333T>G, p.Ser13111= (NM_003319.4); c.58824T>G, p.Ser19608= (NM_133378.4); c.39708T>G, p.Ser13236= (NM_133432.3); c.39909T>G, p.Ser13303= (NM_133437.4).
Identifiers: ClinVar variation 509082 (VCV000509082.11), dbSNP rs1553626322, ClinGen allele CA430262459.